The following is an entry in ClinVar:

NM_001079866.2(BCS1L):c.547C>T (p.Arg183Cys)

Gene: BCS1L (BCS1 ubiquinol-cytochrome c reductase complex chaperone; plus strand). Cytogenetic location: 2q35.
Variant type: single nucleotide variant.
Coding change: c.547C>T on transcript NM_001079866.2 (MANE Select); coding-DNA position 547, C replaced by T.
Protein change: p.Arg183Cys; replaces arginine 183 with cysteine.
Molecular consequence: missense variant. On other transcripts: non-coding transcript variant (1).
Genome position (GRCh38, 1-based): chr2:218,661,845, C>T. VCF-style: chr2-218661845-C-T. GRCh37 (hg19) VCF-style: chr2-219526568-C-T.
Other names: c.547C>T, p.Arg183Cys (NM_001257342.2, NM_001257343.2, NM_001257344.2 and 10 more transcripts); c.187C>T, p.Arg63Cys (NM_001318836.2, NM_001371451.1); c.46C>T, p.Arg16Cys (NM_001371452.1, NM_001371453.1, NM_001371454.1 and 3 more transcripts); short protein forms R183C, R63C, R16C.
Identifiers: ClinVar variation 6174 (VCV000006174.18), dbSNP rs144885874, ClinGen allele CA118041.
Genomic context (GRCh38, chr2:218,661,845, plus strand): 5'-GAAGGGAAGACCGTGATGTACACAGCTGTGGGCTCTGAATGGCGTCCCTTTGGCTATCCA[C>T]GCCGCCGGCGACCACTGAATTCTGTGGTTCTACAACAGGGTCTGGCTGACCGAATTGTCA-3'
Protein context (NP_001073335.1, residues 173-193): GSEWRPFGYP[Arg183Cys]RRRPLNSVVL

ClinVar aggregate classification (germline): Pathogenic/Likely pathogenic. Review status: criteria provided, multiple submitters, no conflicts (2 of 4 stars). 10 submissions from 10 submitters: Pathogenic (1); Likely pathogenic (7). 2 of the submissions do not count toward it. Last evaluated 2026-05-18.

Conditions:
BCS1L-related disorder. Also called: BCS1L-related condition; BCS1L-related disorders. Identifiers: MedGen CN239240.
GRACILE syndrome (FLNMS). Also called: FELLMAN SYNDROME; FINNISH LETHAL NEONATAL METABOLIC SYNDROME. Identifiers: Orphanet 53693, MedGen C1864002, MONDO:0011308, OMIM 603358.
Pili torti-deafness syndrome (BJS). Also called: PILI TORTI AND NERVE DEAFNESS; Bjornstad syndrome. Identifiers: Orphanet 123, MedGen C0266006, MONDO:0009872, OMIM 262000.
Mitochondrial complex III deficiency nuclear type 1. Identifiers: Orphanet 254902, MedGen C3541471, MONDO:0007415, OMIM 124000.

Allele frequency attached by ClinVar (database versions not stated): gnomAD exomes 0.00001 and 0.00003; ExAC 0.00002; TOPMed 0.00006; gnomAD 0.00007 and 0.00008; ESP Exome Variant Server 0.00008.

Submissions (10):

Women's Health and Genetics/Laboratory Corporation of America, LabCorp
Classification: Likely pathogenic for GRACILE syndrome. Last evaluated: 2026-05-18. Review status: criteria provided, single submitter. Criteria: LabCorp Variant Classification Summary - May 2015. Collection method: clinical testing. Allele origin: germline.
Comment: Variant summary: BCS1L c.547C>T (p.Arg183Cys) results in a non-conservative amino acid change in the encoded protein sequence. Algorithms developed to predict the effect of missense changes on protein structure and function all suggest that this variant is likely to be disruptive. The variant allele was found at a frequency of 1.2e-05 in 251354 control chromosomes. c.547C>T has been observed in individual(s) affected with BCS1L-related conditions (Fernandez-Vizarra_2007). A different variant affecting the same codon has been classified as likely pathogenic/pathogenic by our lab (c.548G>A, p.Arg183His), supporting the critical relevance of codon 183 to BCS1L protein function. At least one publication reports experimental evidence evaluating an impact on protein function. The most pronounced variant effect results in the inability to rescue in a yeast complementation assay and significant reduction of cytochromes (Fernandez-Vizarra_2007). The following publications have been ascertained in the context of this evaluation (PMID: 17403714, 22310368, 38465286). ClinVar contains an entry for this variant (Variation ID: 6174). Based on the evidence outlined above, the variant was classified as likely pathogenic.

Labcorp Genetics (formerly Invitae), Labcorp
Classification: Likely pathogenic. Last evaluated: 2025-12-19. Review status: criteria provided, single submitter. Criteria: Invitae Variant Classification Sherloc (09022015). Collection method: clinical testing. Allele origin: germline.
Comment: This sequence change replaces arginine, which is basic and polar, with cysteine, which is neutral and slightly polar, at codon 183 of the BCS1L protein (p.Arg183Cys). This variant is present in population databases (rs144885874, gnomAD 0.008%). This missense change has been observed in individual(s) with Björnstad syndrome (PMID: 17403714). ClinVar contains an entry for this variant (Variation ID: 6174). Invitae Evidence Modeling of protein sequence and biophysical properties (such as structural, functional, and spatial information, amino acid conservation, physicochemical variation, residue mobility, and thermodynamic stability) indicates that this missense variant is expected to disrupt BCS1L protein function with a positive predictive value of 95%. Experimental studies have shown that this missense change affects BCS1L function (PMID: 17403714). This variant disrupts the p.Arg183 amino acid residue in BCS1L. Other variant(s) that disrupt this residue have been determined to be pathogenic (PMID: 17314340). This suggests that this residue is clinically significant, and that variants that disrupt this residue are likely to be disease-causing. In summary, the currently available evidence indicates that the variant is pathogenic, but additional data are needed to prove that conclusively. Therefore, this variant has been classified as Likely Pathogenic.

Natera, Inc.
Classification: Likely pathogenic for GRACILE syndrome. Last evaluated: 2025-12-08. Review status: criteria provided, single submitter. Criteria: Natera Variant Classification Schema (03/2026). Collection method: clinical testing. Allele origin: germline.
Comment: The c.547C>T variant in BCS1L is a missense variant predicted to cause substitution of arginine to cysteine at amino acid 183. This variant is rare in the general population with a frequency below the threshold expected for the associated phenotype(s). This variant has been observed in one or more individuals affected with the associated recessive disease, as either homozygous or compound heterozygous with a second variant (PMID: 17403714, 38465286). Functional studies show that this variant may disrupt protein function (PMID: 17403714). A different variant at the same position has been determined to be Pathogenic or Likely Pathogenic. Computational prediction algorithms indicate this variant is likely to affect gene or protein function. Given the available evidence, this variant is classified as Likely Pathogenic.

GeneDx
Classification: Pathogenic. Last evaluated: 2025-02-03. Review status: criteria provided, single submitter. Criteria: GeneDx Variant Classification Process June 2021. Collection method: clinical testing. Allele origin: germline. Affected: yes.
Comment: Functional analysis found that the introduction of R183C into yeast with deletion of the BSC1L gene failed to rescue the cell line (PMID: 17403714); Not observed at significant frequency in large population cohorts (gnomAD); In silico analysis supports that this missense variant has a deleterious effect on protein structure/function; This variant is associated with the following publications: (PMID: 22310368, 38465286, 17403714)

Fulgent Genetics
Classification: Likely pathogenic for Mitochondrial complex III deficiency nuclear type 1; Pili torti-deafness syndrome; GRACILE syndrome. Last evaluated: 2024-05-01. Review status: criteria provided, single submitter. Criteria: ACMG Guidelines, 2015. Collection method: clinical testing. Allele origin: germline.

Baylor Genetics
Classification: Likely pathogenic for Pili torti-deafness syndrome. Last evaluated: 2024-03-28. Review status: criteria provided, single submitter. Criteria: ACMG Guidelines, 2015. Collection method: clinical testing. Allele origin: unknown.

Blueprint Genetics
Classification: Likely pathogenic for BCS1L-related disorders. Last evaluated: 2021-01-14. Review status: criteria provided, single submitter. Criteria: ACMG Guidelines, 2015. Collection method: clinical testing. Allele origin: germline. Affected: yes. Observed: 3 variant alleles.

Laboratory for Molecular Medicine, Mass General Brigham Personalized Medicine
Classification: Likely pathogenic for Mitochondrial complex III deficiency. Last evaluated: 2014-12-15. Review status: criteria provided, single submitter. Criteria: LMM Criteria. Collection method: clinical testing. Allele origin: germline. Inheritance: Autosomal recessive inheritance. Observed: 1 variant allele. Study: CSER-MedSeq.
Comment: The p.Arg183Cys variant in BCS1L has been identified in 1 compound heterozygous individual with Mitochondrial complex III deficiency (Fernandez-Vizarra 2007). The p.Arg183Cys variant has been identified in 0.023% (1/4406) of African American chromosomes by the NHLBI Exome Sequencing Project (dbSNP rs144885874). Although this variant has been seen in the general population, its frequency is low enough to be consistent with a recessive carrier frequency. In vitro functional studies suggest that this variant impacts protein function (Fernandez-Vizarra 2007). In summary, although additional studies are required to fully establish its clinical significance, the p.Arg183Cys variant is likely pathogenic.

OMIM
Classification: Pathogenic for MITOCHONDRIAL COMPLEX III DEFICIENCY, NUCLEAR TYPE 1. Last evaluated: 2007-05-15. Review status: no assertion criteria provided. Collection method: literature only. Allele origin: germline. Not counted in ClinVar's aggregate classification.

Counsyl
Classification: Uncertain significance for GRACILE syndrome. Last evaluated: 2018-04-24. Review status: flagged submission. Collection method: clinical testing. Allele origin: unknown. Not counted in ClinVar's aggregate classification.
ClinVar note: Reason: Older and outlier claim with insufficient supporting evidence

Literature cited by the submitters: PubMed 22310368 (cited by Women's Health and Genetics/Laboratory Corporation of America, LabCorp); PubMed 17403714 (cited by 6 submitters); PubMed 38465286 (cited by Women's Health and Genetics/Laboratory Corporation of America, LabCorp and Natera, Inc.); PubMed 17314340 (cited by Labcorp Genetics (formerly Invitae), Labcorp).